The following is an entry in ClinVar:

ClinVar aggregate classification (germline): Likely benign (1 of 4 stars; one submission).

Conditions:
Developmental delay, hypotonia, musculoskeletal defects, and behavioral abnormalities. Identifiers: MedGen C5562012, MONDO:0859202, OMIM 619595.

Submission:

Victorian Clinical Genetics Services, Murdoch Childrens Research Institute
Classification: Likely benign for Developmental delay, hypotonia, musculoskeletal defects, and behavioral abnormalities. Last evaluated: 2024-10-08. Review status: criteria provided, single submitter. Criteria: ACMG Guidelines, 2015. Collection method: clinical testing. Allele origin: germline. Inheritance: Autosomal dominant inheritance. Affected: yes.
Comment: Based on the classification scheme VCGS_Germline_v1.3.4, this variant is classified as Likely benign. Following criteria are met: 0102 - Loss of function is a known mechanism of disease in this gene and is associated with developmental delay, hypotonia, musculoskeletal defects, and behavioral abnormalities (MIM#619595). Dominant negative is a suspected mechanism of Floating Habour syndrome (MIM#136140) due to the enrichment of protein truncating variants in the proximal portion of the last exon (PMID: 27208210, PMID: 33909990). (I) 0107 - This gene is associated with autosomal dominant disease. (I) 0200 - Variant is predicted to result in a missense amino acid change from serine to proline. (I) 0251 - This variant is heterozygous. (I) 0301 - Variant is absent from gnomAD (both v2 and v3). (SP) 0309 - An alternative amino acid change at the same position has been observed in gnomAD (v2) (1 heterozygote, 0 homozygotes). (I) 0502 - Missense variant with conflicting in silico predictions and uninformative conservation. (I) 0604 - Variant is not located in an established domain, motif, hotspot or informative constraint region. (I) 0705 - No comparable missense variants have previous evidence for pathogenicity. (I) 0807 - This variant has no previous evidence of pathogenicity. (I) 0905 - No published segregation evidence has been identified for this variant. (I) 1007 - No published functional evidence has been identified for this variant. (I) Legend: (SP) - Supporting pathogenic, (I) - Information, (SB) - Supporting benign

Literature cited by the submitters: PubMed 27208210; PubMed 33909990.

NM_006662.3(SRCAP):c.5164T>C (p.Ser1722Pro)

Gene: SRCAP (Snf2 related CREBBP activator protein; plus strand). Cytogenetic location: 16p11.2.
Variant type: single nucleotide variant.
Coding change: c.5164T>C on transcript NM_006662.3 (MANE Select); coding-DNA position 5164, T replaced by C.
Protein change: p.Ser1722Pro; replaces serine 1722 with proline.
Molecular consequence: missense variant.
Genome position (GRCh38, 1-based): chr16:30,724,588, T>C. VCF-style: chr16-30724588-T-C. GRCh37 (hg19) VCF-style: chr16-30735909-T-C.
Other names: short protein forms S1722P.
Identifiers: ClinVar variation 3254691 (VCV003254691.2), dbSNP rs761635368.
Genomic context (GRCh38, chr16:30,724,588, plus strand): 5'-TTGGGAACGGGGAACCCCCAGGGACCCTTTCCAACTCAGACATTGTCATTAACTCCAGCA[T>C]CATCCCTGGTACCAACTCCAGCCCAGACACTGTCTTTGGCACCAGGACCACCACTGGGTC-3'
Protein context (NP_006653.2, residues 1712-1732): PTQTLSLTPA[Ser1722Pro]SLVPTPAQTL